The following is an entry in ClinVar:

ClinVar aggregate classification (germline): Uncertain significance (1 of 4 stars; one submission).

gnomAD v4.1: 242 of 1,560,064 alleles (0.016%); highest among the groups gnomAD compares: Non-Finnish European, 0.019%; no homozygotes.

Submission:

Labcorp Genetics (formerly Invitae), Labcorp
Classification: Uncertain significance. Last evaluated: 2025-11-27. Review status: criteria provided, single submitter. Criteria: Invitae Variant Classification Sherloc (09022015). Collection method: clinical testing. Allele origin: germline.
Comment: This variant occurs in a non-coding region of the ANKRD26 gene. It does not change the encoded amino acid sequence of the ANKRD26 protein. This variant is present in population databases (no rsID available, gnomAD 0.01%). This variant has not been reported in the literature in individuals affected with ANKRD26-related conditions. ClinVar contains an entry for this variant (Variation ID: 1899553). Experimental studies and prediction algorithms are not available or were not evaluated, and the effect of this variant on mRNA splicing is currently unknown. In summary, the available evidence is currently insufficient to determine the role of this variant in disease. Therefore, it has been classified as a Variant of Uncertain Significance.

NM_014915.3(ANKRD26):c.-88G>A

Gene: ANKRD26 (ankyrin repeat domain 26; minus strand). Cytogenetic location: 10p12.1.
Variant type: single nucleotide variant.
Coding change: c.-88G>A on transcript NM_014915.3 (MANE Select); 88 bases upstream of the start codon, G replaced by A.
Molecular consequence: 5 prime UTR variant.
Genome position (GRCh38, 1-based): chr10:27,100,414, C>T on the plus strand (G>A on the coding strand, the complement: ANKRD26 is on the minus strand). VCF-style: chr10-27100414-C-T. GRCh37 (hg19) VCF-style: chr10-27389343-C-T.
Other names: c.-88G>A (NM_001256053.2).
Identifiers: ClinVar variation 1899553 (VCV001899553.5), dbSNP rs957607780, ClinGen allele CA204453810.